The following is an entry in ClinVar:

NM_004082.5(DCTN1):c.2115G>C (p.Leu705=)

Gene: DCTN1 (dynactin subunit 1; minus strand). Cytogenetic location: 2p13.1.
Variant type: single nucleotide variant.
Coding change: c.2115G>C on transcript NM_004082.5 (MANE Select); coding-DNA position 2115, G replaced by C.
Protein change: p.Leu705=; no amino-acid change (leucine 705 retained).
Molecular consequence: synonymous variant. On other transcripts: non-coding transcript variant (1).
Genome position (GRCh38, 1-based): chr2:74,367,765, C>G on the plus strand (G>C on the coding strand, the complement: DCTN1 is on the minus strand). VCF-style: chr2-74367765-C-G. GRCh37 (hg19) VCF-style: chr2-74594892-C-G.
Other names: c.2055G>C, p.Leu685= (NM_001135040.3); c.1713G>C, p.Leu571= (NM_001135041.3, NM_023019.4); c.2004G>C, p.Leu668= (NM_001190836.2); c.2094G>C, p.Leu698= (NM_001190837.2); c.2064G>C, p.Leu688= (NM_001378991.1); c.2046G>C, p.Leu682= (NM_001378992.1).
Identifiers: ClinVar variation 3044336 (VCV003044336.2), dbSNP rs755476181, ClinGen allele CA1721953.

ClinVar aggregate classification (germline): Likely benign (0 of 4 stars; one submission).

Conditions:
DCTN1-related disorder. Also called: DCTN1-related condition.

Allele frequency attached by ClinVar (database versions not stated): ExAC 0.00001.

Submission:

PreventionGenetics, part of Exact Sciences
Classification: Likely benign for DCTN1-related condition. Last evaluated: 2023-08-17. Review status: no assertion criteria provided. Collection method: clinical testing. Allele origin: germline.
Comment: This variant is classified as likely benign based on ACMG/AMP sequence variant interpretation guidelines (Richards et al. 2015 PMID: 25741868, with internal and published modifications).